The following is an entry in ClinVar:

ClinVar aggregate classification (germline): Uncertain significance. Review status: criteria provided, multiple submitters, no conflicts (2 of 4 stars). 4 submissions from 4 submitters: Uncertain significance (4). Last evaluated 2026-09-09.

Allele frequency attached by ClinVar (database versions not stated): ExAC 0.00006; gnomAD exomes 0.00008 and 0.00014; gnomAD 0.00011 and 0.00013; TOPMed 0.00022.
gnomAD v4.1: 146 of 1,549,264 alleles (0.0094%); highest among the groups gnomAD compares: Middle Eastern, 0.15%; no homozygotes.

Submissions (4):

GeneDx
Classification: Uncertain significance. Last evaluated: 2026-09-09. Review status: criteria provided, single submitter. Criteria: GeneDx Variant Classification Process June 2021. Collection method: clinical testing. Allele origin: germline.
Comment: In silico analysis suggests that this missense variant does not alter protein structure/function; Has not been previously published as pathogenic or benign to our knowledge

Blueprint Genetics
Classification: Uncertain significance. Last evaluated: 2024-11-21. Review status: criteria provided, single submitter. Criteria: ACMG Guidelines, 2015. Collection method: clinical testing. Allele origin: germline.

Labcorp Genetics (formerly Invitae), Labcorp
Classification: Uncertain significance. Last evaluated: 2022-10-13. Review status: criteria provided, single submitter. Criteria: Invitae Variant Classification Sherloc (09022015). Collection method: clinical testing. Allele origin: germline.
Comment: This sequence change replaces alanine, which is neutral and non-polar, with threonine, which is neutral and polar, at codon 2056 of the OTOG protein (p.Ala2056Thr). This variant is present in population databases (rs750356823, gnomAD 0.02%). This variant has not been reported in the literature in individuals affected with OTOG-related conditions. ClinVar contains an entry for this variant (Variation ID: 1218923). Algorithms developed to predict the effect of missense changes on protein structure and function (SIFT, PolyPhen-2, Align-GVGD) all suggest that this variant is likely to be tolerated. In summary, the available evidence is currently insufficient to determine the role of this variant in disease. Therefore, it has been classified as a Variant of Uncertain Significance.

Breakthrough Genomics
Classification: Uncertain significance. Review status: criteria provided, single submitter. Criteria: ACMG Guidelines, 2015. Collection method: not provided. Allele origin: germline. Inheritance: Autosomal recessive inheritance. Affected: yes.

NM_001292063.2(OTOG):c.6130G>A (p.Ala2044Thr)

Gene: OTOG (otogelin; plus strand). Cytogenetic location: 11p15.1.
Variant type: single nucleotide variant.
Coding change: c.6130G>A on transcript NM_001292063.2 (MANE Select); coding-DNA position 6130, G replaced by A.
Protein change: p.Ala2044Thr; replaces alanine 2044 with threonine.
Molecular consequence: missense variant.
Genome position (GRCh38, 1-based): chr11:17,612,168, G>A. VCF-style: chr11-17612168-G-A. GRCh37 (hg19) VCF-style: chr11-17633715-G-A.
Other names: c.6166G>A, p.Ala2056Thr (NM_001277269.2); short protein forms A2044T, A2056T.
Identifiers: ClinVar variation 1218923 (VCV001218923.10), dbSNP rs750356823, ClinGen allele CA5905996.